The following is an entry in ClinVar:

ClinVar aggregate classification (germline): Uncertain significance. Review status: criteria provided, multiple submitters, no conflicts (2 of 4 stars). 2 submissions from 2 submitters: Uncertain significance (2). Last evaluated 2023-10-24.

Conditions:
Hereditary cancer-predisposing syndrome. Also called: Neoplastic Syndromes, Hereditary; Tumor predisposition; Hereditary Cancer Syndrome; Hereditary neoplastic syndrome. Identifiers: Orphanet 140162, MedGen C0027672, MeSH D009386, MONDO:0015356.
Familial adenomatous polyposis 1 (FAP1). Also called: FAMILIAL ADENOMATOUS POLYPOSIS 1, ATTENUATED; POLYPOSIS, ADENOMATOUS INTESTINAL. Identifiers: MedGen C2713442, MONDO:0021056, OMIM 175100. Disease mechanism: loss of function.

Allele frequency attached by ClinVar (database versions not stated): gnomAD exomes 0.00001.
gnomAD v4.1: 18 of 1,614,164 alleles (0.0011%); highest among the groups gnomAD compares: Non-Finnish European, 0.0015%; no homozygotes.

Submissions (2):

Labcorp Genetics (formerly Invitae), Labcorp
Classification: Uncertain significance for Familial adenomatous polyposis 1. Last evaluated: 2023-10-24. Review status: criteria provided, single submitter. Criteria: Invitae Variant Classification Sherloc (09022015). Collection method: clinical testing. Allele origin: germline.
Comment: This sequence change replaces aspartic acid, which is acidic and polar, with valine, which is neutral and non-polar, at codon 1266 of the APC protein (p.Asp1266Val). This variant is not present in population databases (gnomAD no frequency). This variant has not been reported in the literature in individuals affected with APC-related conditions. ClinVar contains an entry for this variant (Variation ID: 649677). Advanced modeling of protein sequence and biophysical properties (such as structural, functional, and spatial information, amino acid conservation, physicochemical variation, residue mobility, and thermodynamic stability) performed at Invitae indicates that this missense variant is not expected to disrupt APC protein function with a negative predictive value of 95%. In summary, the available evidence is currently insufficient to determine the role of this variant in disease. Therefore, it has been classified as a Variant of Uncertain Significance.

Ambry Genetics
Classification: Uncertain significance for Hereditary cancer-predisposing syndrome. Last evaluated: 2023-03-17. Review status: criteria provided, single submitter. Criteria: Ambry Variant Classification Scheme 2023. Collection method: clinical testing. Allele origin: germline.
Comment: The p.D1266V variant (also known as c.3797A>T), located in coding exon 15 of the APC gene, results from an A to T substitution at nucleotide position 3797. The aspartic acid at codon 1266 is replaced by valine, an amino acid with highly dissimilar properties. This amino acid position is conserved. In addition, in silico predictors for this gene do not accurately predict pathogenicity. Since supporting evidence is limited at this time, the clinical significance of this alteration remains unclear.

NM_000038.6(APC):c.3797A>T (p.Asp1266Val)

Gene: APC (APC regulator of Wnt signaling pathway; plus strand). Cytogenetic location: 5q22.2.
Variant type: single nucleotide variant.
Coding change: c.3797A>T on transcript NM_000038.6 (MANE Select); coding-DNA position 3797, A replaced by T.
Protein change: p.Asp1266Val; replaces aspartic acid 1266 with valine.
Molecular consequence: missense variant.
Genome position (GRCh38, 1-based): chr5:112,839,391, A>T. VCF-style: chr5-112839391-A-T. GRCh37 (hg19) VCF-style: chr5-112175088-A-T.
Other names: c.3797A>T, p.Asp1266Val (NM_001127510.3, NM_001354895.2); c.3743A>T, p.Asp1248Val (NM_001127511.3); c.3851A>T, p.Asp1284Val (NM_001354896.2); c.3827A>T, p.Asp1276Val (NM_001354897.2); c.3722A>T, p.Asp1241Val (NM_001354898.2); c.3713A>T, p.Asp1238Val (NM_001354899.2); c.3674A>T, p.Asp1225Val (NM_001354900.2); c.3620A>T, p.Asp1207Val (NM_001354901.2); and 5 more; short protein forms D1165V, D1106V, D1140V, D1207V, D1241V, D1266V, D1284V, D1175V.
Identifiers: ClinVar variation 649677 (VCV000649677.12), dbSNP rs1580640260, ClinGen allele CA16029664.
Genomic context (GRCh38, chr5:112,839,391, plus strand): 5'-CTGCCACTTGCAAAGTTTCTTCTATTAACCAAGAAACAATACAGACTTATTGTGTAGAAG[A>T]TACTCCAATATGTTTTTCAAGATGTAGTTCATTATCATCTTTGTCATCAGCTGAAGATGA-3'
Protein context (NP_000029.2, residues 1256-1276): QETIQTYCVE[Asp1266Val]TPICFSRCSS